The following is an entry in ClinVar:

NM_000059.4(BRCA2):c.5120C>G (p.Thr1707Ser)

Gene: BRCA2 (BRCA2 DNA repair associated; plus strand). Cytogenetic location: 13q13.1.
Variant type: single nucleotide variant.
Coding change: c.5120C>G on transcript NM_000059.4 (MANE Select); coding-DNA position 5120, C replaced by G.
Protein change: p.Thr1707Ser; replaces threonine 1707 with serine.
Molecular consequence: missense variant.
Genome position (GRCh38, 1-based): chr13:32,339,475, C>G. VCF-style: chr13-32339475-C-G. GRCh37 (hg19) VCF-style: chr13-32913612-C-G.
Other names: c.5120C>G (NM_000059.3); short protein forms T1707S.
Identifiers: ClinVar variation 1040309 (VCV001040309.11), dbSNP rs786202354, ClinGen allele CA387784156.
Genomic context (GRCh38, chr13:32,339,475, plus strand): 5'-TTGAAGCAAAAAAATGGCTTAGAGAAGGAATATTTGATGGTCAACCAGAAAGAATAAATA[C>G]TGCAGATTATGTAGGAAATTATTTGTATGAAAATAATTCAAACAGTACTATAGCTGAAAA-3'
Protein context (NP_000050.3, residues 1697-1717): IFDGQPERIN[Thr1707Ser]ADYVGNYLYE

ClinVar aggregate classification (germline): Conflicting classifications of pathogenicity. Review status: criteria provided, conflicting classifications (1 of 4 stars). 3 submissions from 3 submitters: Uncertain significance (2); Likely benign (1). Last evaluated 2026-07-07.

Conditions:
Hereditary cancer-predisposing syndrome. Also called: Tumor predisposition; Hereditary Cancer Syndrome; Hereditary neoplastic syndrome; Neoplastic Syndromes, Hereditary. Identifiers: Orphanet 140162, MedGen C0027672, MeSH D009386, MONDO:0015356.
Hereditary breast ovarian cancer syndrome. Also called: Hereditary breast and/or ovarian cancer syndrome; Hereditary breast and ovarian cancer syndrome; BRCA1- and BRCA2-Associated Hereditary Breast and Ovarian Cancer; Breast and ovarian cancer; Hereditary breast and ovarian cancer; Hereditary breast and ovarian cancer syndrome (HBOC). Identifiers: Orphanet 145, MedGen C0677776, MeSH D061325, MONDO:0003582. Disease mechanism: loss of function.

Submissions (3):

Ambry Genetics
Classification: Uncertain significance for Hereditary cancer-predisposing syndrome. Last evaluated: 2026-07-07. Review status: criteria provided, single submitter. Criteria: Ambry Variant Classification Scheme 2023. Collection method: clinical testing. Allele origin: germline.
Comment: The p.T1707S variant (also known as c.5120C>G), located in coding exon 10 of the BRCA2 gene, results from a C to G substitution at nucleotide position 5120. The threonine at codon 1707 is replaced by serine, an amino acid with similar properties. This amino acid position is conserved. In addition, this alteration is predicted to be tolerated by in silico analysis. Based on the available evidence, the clinical significance of this variant remains unclear.

University of Washington Department of Laboratory Medicine, University of Washington
Classification: Likely benign for Hereditary cancer-predisposing syndrome. Last evaluated: 2023-03-23. Review status: criteria provided, single submitter. Criteria: Dines et al. (Genet Med. 2020). Collection method: curation. Allele origin: germline.
Comment: Missense variant in a coldspot region where missense variants are very unlikely to be pathogenic (PMID:31911673).

BRCA2 exon 11 coldspot. Reclassification based on statistical prior probability.

Labcorp Genetics (formerly Invitae), Labcorp
Classification: Uncertain significance for Hereditary breast ovarian cancer syndrome. Last evaluated: 2022-11-13. Review status: criteria provided, single submitter. Criteria: Invitae Variant Classification Sherloc (09022015). Collection method: clinical testing. Allele origin: germline.
Comment: This sequence change replaces threonine, which is neutral and polar, with serine, which is neutral and polar, at codon 1707 of the BRCA2 protein (p.Thr1707Ser). This variant is not present in population databases (gnomAD no frequency). This variant has not been reported in the literature in individuals affected with BRCA2-related conditions. ClinVar contains an entry for this variant (Variation ID: 1040309). Advanced modeling of protein sequence and biophysical properties (such as structural, functional, and spatial information, amino acid conservation, physicochemical variation, residue mobility, and thermodynamic stability) performed at Invitae indicates that this missense variant is not expected to disrupt BRCA2 protein function. In summary, the available evidence is currently insufficient to determine the role of this variant in disease. Therefore, it has been classified as a Variant of Uncertain Significance.